The following is an entry in ClinVar:

NM_000368.5(TSC1):c.1581G>C (p.Gln527His)

Gene: TSC1 (TSC complex subunit 1; minus strand). Cytogenetic location: 9q34.13.
Variant type: single nucleotide variant.
Coding change: c.1581G>C on transcript NM_000368.5 (MANE Select); coding-DNA position 1581, G replaced by C.
Protein change: p.Gln527His; replaces glutamine 527 with histidine.
Molecular consequence: missense variant.
Genome position (GRCh38, 1-based): chr9:132,905,997, C>G on the plus strand (G>C on the coding strand, the complement: TSC1 is on the minus strand). VCF-style: chr9-132905997-C-G. GRCh37 (hg19) VCF-style: chr9-135781384-C-G.
Other names: c.1578G>C, p.Gln526His (NM_001162426.2); c.1428G>C, p.Gln476His (NM_001162427.2); c.1218G>C, p.Gln406His (NM_001362177.2); short protein forms Q406H, Q526H, Q476H, Q527H.
Identifiers: ClinVar variation 863615 (VCV000863615.11), dbSNP rs1554815989, ClinGen allele CA375364966.
Genomic context (GRCh38, chr9:132,905,997, plus strand): 5'-TGTGTCAGGCCCAAGCTTGTCCAGGGAGGAGTGTAAAGGCTCAGGGTTCACGCTGGCGCC[C>G]TGAGAACTGGAGGCTGCCGAGTGGGTCTTCCGCTGAGAACCTGGGAGACTGTCTCGGTAA-3'
Protein context (NP_000359.1, residues 517-537): RKTHSAASSS[Gln527His]GASVNPEPLH

ClinVar aggregate classification (germline): Uncertain significance. Review status: criteria provided, multiple submitters, no conflicts (2 of 4 stars). 3 submissions from 3 submitters: Uncertain significance (3). Last evaluated 2025-09-08.

Conditions:
Tuberous sclerosis syndrome (TSC). Also called: Tuberous Sclerosis Complex; Tuberous sclerosis. Identifiers: Orphanet 805, MedGen C0041341, MONDO:0001734.
Hereditary cancer-predisposing syndrome. Also called: Tumor predisposition; Hereditary Cancer Syndrome; Neoplastic Syndromes, Hereditary; Hereditary neoplastic syndrome. Identifiers: Orphanet 140162, MedGen C0027672, MeSH D009386, MONDO:0015356.
Tuberous sclerosis 1 (TSC1). Identifiers: Orphanet 805, MedGen C1854465, MONDO:0008612, OMIM 191100.

Submissions (3):

Color Diagnostics, LLC DBA Color Health
Classification: Uncertain significance for Tuberous sclerosis syndrome. Last evaluated: 2025-09-08. Review status: criteria provided, single submitter. Criteria: ACMG Guidelines, 2015. Collection method: clinical testing. Allele origin: germline.
Comment: This missense variant replaces glutamine with histidine at codon 527 of the TSC1 protein. Computational prediction suggests that this variant may not impact protein structure and function. To our knowledge, functional studies have not been reported for this variant. This variant has not been reported in individuals affected with TSC1-related disorders in the literature. This variant has not been identified in the general population by the Genome Aggregation Database (gnomAD). The available evidence is insufficient to determine the role of this variant in disease conclusively. Therefore, this variant is classified as a Variant of Uncertain Significance.

Labcorp Genetics (formerly Invitae), Labcorp
Classification: Uncertain significance for Tuberous sclerosis 1. Last evaluated: 2024-06-04. Review status: criteria provided, single submitter. Criteria: Invitae Variant Classification Sherloc (09022015). Collection method: clinical testing. Allele origin: germline.
Comment: This sequence change replaces glutamine, which is neutral and polar, with histidine, which is basic and polar, at codon 527 of the TSC1 protein (p.Gln527His). This variant is not present in population databases (gnomAD no frequency). This variant has not been reported in the literature in individuals affected with TSC1-related conditions. ClinVar contains an entry for this variant (Variation ID: 863615). Advanced modeling of protein sequence and biophysical properties (such as structural, functional, and spatial information, amino acid conservation, physicochemical variation, residue mobility, and thermodynamic stability) performed at Invitae indicates that this missense variant is not expected to disrupt TSC1 protein function with a negative predictive value of 95%. In summary, the available evidence is currently insufficient to determine the role of this variant in disease. Therefore, it has been classified as a Variant of Uncertain Significance.

Ambry Genetics
Classification: Uncertain significance for Hereditary cancer-predisposing syndrome. Last evaluated: 2022-11-18. Review status: criteria provided, single submitter. Criteria: Ambry Variant Classification Scheme 2023. Collection method: clinical testing. Allele origin: germline.
Comment: The p.Q527H variant (also known as c.1581G>C), located in coding exon 13 of the TSC1 gene, results from a G to C substitution at nucleotide position 1581. The glutamine at codon 527 is replaced by histidine, an amino acid with highly similar properties. This amino acid position is conserved. In addition, this alteration is predicted to be tolerated by in silico analysis. Since supporting evidence is limited at this time, the clinical significance of this alteration remains unclear.